The following is an entry in ClinVar:

NM_001458.5(FLNC):c.2508A>G (p.Pro836=)

Gene: FLNC (filamin C; plus strand). Cytogenetic location: 7q32.1.
Variant type: single nucleotide variant.
Coding change: c.2508A>G on transcript NM_001458.5 (MANE Select); coding-DNA position 2508, A replaced by G.
Protein change: p.Pro836=; no amino-acid change (proline 836 retained).
Molecular consequence: synonymous variant.
Genome position (GRCh38, 1-based): chr7:128,842,912, A>G. VCF-style: chr7-128842912-A-G. GRCh37 (hg19) VCF-style: chr7-128482966-A-G.
Other names: c.2508A>G, p.Pro836= (NM_001127487.2).
Identifiers: ClinVar variation 1953331 (VCV001953331.7), dbSNP rs1418754864, ClinGen allele CA457847897.

ClinVar aggregate classification (germline): Likely benign. Review status: criteria provided, single submitter (1 of 4 stars). 2 submissions from 2 submitters: Likely benign (1). 1 of the submissions does not count toward it. Last evaluated 2022-02-07.

Conditions:
Distal myopathy with posterior leg and anterior hand involvement. Also called: WILLIAMS DISTAL MYOPATHY. Identifiers: Orphanet 63273, MedGen C3279722, MONDO:0013550, OMIM 614065.
Myofibrillar myopathy 5. Also called: Filaminopathy (type); FILAMINOPATHY, AUTOSOMAL DOMINANT. Identifiers: Orphanet 171445, MedGen C1836050, MONDO:0012289, OMIM 609524.
Hypertrophic cardiomyopathy 26. Also called: Cardiomyopathy, familial hypertrophic, 26. Identifiers: Orphanet 75249, MedGen C4310749, MONDO:0014883, OMIM 617047.
FLNC-related disorder. Also called: FLNC-related disorders; FLNC-related condition.

Allele frequency attached by ClinVar (database versions not stated): gnomAD exomes below 0.00001; gnomAD 0.00003.
gnomAD v4.1: 5 of 1,613,912 alleles (0.00031%); highest among the groups gnomAD compares: Non-Finnish European, 0.00042%; no homozygotes.

Submissions (2):

Labcorp Genetics (formerly Invitae), Labcorp
Classification: Likely benign for Distal myopathy with posterior leg and anterior hand involvement; Myofibrillar myopathy 5; Hypertrophic cardiomyopathy 26. Last evaluated: 2022-02-07. Review status: criteria provided, single submitter. Criteria: Invitae Variant Classification Sherloc (09022015). Collection method: clinical testing. Allele origin: germline.

PreventionGenetics, part of Exact Sciences
Classification: Likely benign for FLNC-related condition. Last evaluated: 2020-11-16. Review status: no assertion criteria provided. Collection method: clinical testing. Allele origin: germline. Not counted in ClinVar's aggregate classification.
Comment: This variant is classified as likely benign based on ACMG/AMP sequence variant interpretation guidelines (Richards et al. 2015 PMID: 25741868, with internal and published modifications).